The following is an entry in ClinVar:

NM_201384.3(PLEC):c.6781A>G (p.Asn2261Asp)

Gene: PLEC (plectin; minus strand). Cytogenetic location: 8q24.3.
Variant type: single nucleotide variant.
Coding change: c.6781A>G on transcript NM_201384.3 (MANE Select); coding-DNA position 6781, A replaced by G.
Protein change: p.Asn2261Asp; replaces asparagine 2261 with aspartic acid.
Molecular consequence: missense variant.
Genome position (GRCh38, 1-based): chr8:143,923,148, T>C on the plus strand (A>G on the coding strand, the complement: PLEC is on the minus strand). VCF-style: chr8-143923148-T-C. GRCh37 (hg19) VCF-style: chr8-144997316-T-C.
Other names: c.6862A>G, p.Asn2288Asp (NM_000445.5); c.6739A>G, p.Asn2247Asp (NM_201378.4); c.6715A>G, p.Asn2239Asp (NM_201379.3); c.7192A>G, p.Asn2398Asp (NM_201380.4); c.6685A>G, p.Asn2229Asp (NM_201381.3); c.6781A>G, p.Asn2261Asp (NM_201382.4); c.6793A>G, p.Asn2265Asp (NM_201383.3); short protein forms N2265D, N2398D, N2288D, N2229D, N2239D, N2247D, N2261D.
Identifiers: ClinVar variation 647497 (VCV000647497.6), dbSNP rs782141468, ClinGen allele CA4925862.

ClinVar aggregate classification (germline): Uncertain significance (1 of 4 stars; one submission).

Conditions:
Epidermolysis bullosa simplex, Ogna type (EBS5A). Also called: Pidermolysis bullosa simplex 5A, Ogna type; EPIDERMOLYSIS BULLOSA SIMPLEX 5A, OGNA TYPE. Identifiers: Orphanet 79401, MedGen C0432317, MONDO:0007555, OMIM 131950.
Epidermolysis bullosa simplex 5C, with pyloric atresia (EBS5C). Also called: Epidermolysis bullosa simplex with pyloric atresia; PLEC-Related Epidermolysis Bullosa with Pyloric Atresia; PLEC1-Related Epidermolysis Bullosa with Pyloric Atresia. Identifiers: Orphanet 158684, MedGen C2677349, MONDO:0012807, OMIM 612138.
Epidermolysis bullosa simplex with nail dystrophy (EBS5D). Identifiers: MedGen C4225309, MONDO:0014661, OMIM 616487.
Epidermolysis bullosa simplex 5B, with muscular dystrophy (EBS5B). Also called: EPIDERMOLYSIS BULLOSA SIMPLEX AND LIMB-GIRDLE MUSCULAR DYSTROPHY; Epidermolysis bullosa simplex with muscular dystrophy. Identifiers: Orphanet 257, MedGen C2931072, MONDO:0009181, OMIM 226670.
Autosomal recessive limb-girdle muscular dystrophy type 2Q (LGMDR17). Also called: MUSCULAR DYSTROPHY, LIMB-GIRDLE, AUTOSOMAL RECESSIVE 17. Identifiers: Orphanet 254361, MedGen C3150989, MONDO:0013390, OMIM 613723.

Allele frequency attached by ClinVar (database versions not stated): gnomAD exomes below 0.00001 and 0.00001; TOPMed below 0.00001; ExAC 0.00001.
gnomAD v4.1: 3 of 1,602,860 alleles (0.00019%); highest among the groups gnomAD compares: Non-Finnish European, 0.00025%; no homozygotes.

Submission:

Labcorp Genetics (formerly Invitae), Labcorp
Classification: Uncertain significance for Autosomal recessive limb-girdle muscular dystrophy type 2Q; Epidermolysis bullosa simplex, Ogna type; Epidermolysis bullosa simplex with nail dystrophy; Epidermolysis bullosa simplex 5C, with pyloric atresia; Epidermolysis bullosa simplex 5B, with muscular dystrophy. Last evaluated: 2023-08-10. Review status: criteria provided, single submitter. Criteria: Invitae Variant Classification Sherloc (09022015). Collection method: clinical testing. Allele origin: germline.
Comment: This sequence change replaces asparagine, which is neutral and polar, with aspartic acid, which is acidic and polar, at codon 2288 of the PLEC protein (p.Asn2288Asp). This variant is present in population databases (rs782141468, gnomAD 0.002%). This variant has not been reported in the literature in individuals affected with PLEC-related conditions. ClinVar contains an entry for this variant (Variation ID: 647497). Advanced modeling of protein sequence and biophysical properties (such as structural, functional, and spatial information, amino acid conservation, physicochemical variation, residue mobility, and thermodynamic stability) performed at Invitae indicates that this missense variant is not expected to disrupt PLEC protein function. In summary, the available evidence is currently insufficient to determine the role of this variant in disease. Therefore, it has been classified as a Variant of Uncertain Significance.